The following is an entry in ClinVar:

ClinVar aggregate classification (germline): Conflicting classifications of pathogenicity. Review status: criteria provided, conflicting classifications (1 of 4 stars). 2 submissions from 2 submitters: Uncertain significance (1); Likely benign (1). Last evaluated 2023-11-21.

Conditions:
Hereditary cancer-predisposing syndrome. Also called: Tumor predisposition; Hereditary Cancer Syndrome; Neoplastic Syndromes, Hereditary; Hereditary neoplastic syndrome. Identifiers: Orphanet 140162, MedGen C0027672, MeSH D009386, MONDO:0015356.

Submissions (2):

Ambry Genetics
Classification: Uncertain significance for Hereditary cancer-predisposing syndrome. Last evaluated: 2023-11-21. Review status: criteria provided, single submitter. Criteria: Ambry Variant Classification Scheme 2023. Collection method: clinical testing. Allele origin: germline.
Comment: The p.S1097R variant (also known as c.3289A>C), located in coding exon 9 of the BRCA1 gene, results from an A to C substitution at nucleotide position 3289. The serine at codon 1097 is replaced by arginine, an amino acid with dissimilar properties. This amino acid position is not well conserved in available vertebrate species. In addition, the in silico prediction for this alteration is inconclusive. Since supporting evidence is limited at this time, the clinical significance of this alteration remains unclear.

University of Washington Department of Laboratory Medicine, University of Washington
Classification: Likely benign for Hereditary cancer-predisposing syndrome. Last evaluated: 2023-03-23. Review status: criteria provided, single submitter. Criteria: Dines et al. (Genet Med. 2020). Collection method: curation. Allele origin: germline.
Comment: Missense variant in a coldspot region where missense variants are very unlikely to be pathogenic (PMID:31911673).

BRCA1 coldspot (exon 11 using historical exon numbering). Reclassification based on statistical prior probability

NM_007294.4(BRCA1):c.3289A>C (p.Ser1097Arg)

Genes: BRCA1 (BRCA1 DNA repair associated; minus strand), LOC126862571 (BRD4-independent group 4 enhancer GRCh37_chr17:41243136-41244335; plus strand). Cytogenetic location: 17q21.31.
Variant type: single nucleotide variant.
Coding change: c.3289A>C on transcript NM_007294.4 (MANE Select); coding-DNA position 3289, A replaced by C.
Protein change: p.Ser1097Arg; replaces serine 1097 with arginine.
Molecular consequence: missense variant. On other transcripts: intron variant (137).
Genome position (GRCh38, 1-based): chr17:43,092,242, T>G on the plus strand (A>C on the coding strand, the complement: BRCA1 is on the minus strand). VCF-style: chr17-43092242-T-G. GRCh37 (hg19) VCF-style: chr17-41244259-T-G.
Other names: c.665-1210A>C (NM_001408441.1, NM_001408437.1, NM_001408429.1 and 12 more transcripts); c.788-1210A>C (NM_001407979.1, NM_001407977.1, NM_001407982.1 and 17 more transcripts); c.647-1210A>C (NM_001408410.1, NM_001408458.1, NM_001408469.1 and 11 more transcripts); c.710-1210A>C (NM_001408415.1, NM_001408412.1, NM_001408409.1 and 2 more transcripts); c.578-1210A>C (NM_001408483.1, NM_001408481.1, NM_001408480.1 and 9 more transcripts); c.3076A>C, p.Ser1026Arg (NM_001407571.1, NM_001407853.1, NM_001407894.1 and 9 more transcripts); c.3289A>C, p.Ser1097Arg (NM_001407581.1, NM_001407582.1, NM_001407583.1 and 30 more transcripts); c.3286A>C, p.Ser1096Arg (NM_001407587.1, NM_001407590.1, NM_001407591.1 and 22 more transcripts); and 41 more; short protein forms S1097R, S1050R, S1009R, S1026R, S1029R, S1056R, S929R, S1049R.
Identifiers: ClinVar variation 823433 (VCV000823433.7), dbSNP rs587782864, ClinGen allele CA10595411.
Genomic context (GRCh38, chr17:43,092,242, plus strand): 5'-CTACTTCTTCATATTCTTGCTTTTTTATTTCAGGATGCTTACAATTACTTCCAGGAAGAC[T>G]TTGTTTATAGACCTCAGGTTGCAAAACCCCTAATCTAAGCATAGCATTCAATTTTGGCCC-3'
Protein context (NP_009225.1, residues 1087-1107): GVLQPEVYKQ[Ser1097Arg]LPGSNCKHPE